The following is an entry in ClinVar:

ClinVar aggregate classification (germline): Uncertain significance (1 of 4 stars; one submission).

Submission:

Labcorp Genetics (formerly Invitae), Labcorp
Classification: Uncertain significance. Last evaluated: 2022-09-10. Review status: criteria provided, single submitter. Criteria: Invitae Variant Classification Sherloc (09022015). Collection method: clinical testing. Allele origin: germline.
Comment: In summary, the available evidence is currently insufficient to determine the role of this variant in disease. Therefore, it has been classified as a Variant of Uncertain Significance. Advanced modeling of protein sequence and biophysical properties (such as structural, functional, and spatial information, amino acid conservation, physicochemical variation, residue mobility, and thermodynamic stability) performed at Invitae indicates that this missense variant is expected to disrupt POLE protein function. This variant has not been reported in the literature in individuals affected with POLE-related conditions. This variant is not present in population databases (gnomAD no frequency). This sequence change replaces aspartic acid, which is acidic and polar, with glutamic acid, which is acidic and polar, at codon 763 of the POLE protein (p.Asp763Glu).

NM_006231.4(POLE):c.2289C>G (p.Asp763Glu)

Gene: POLE (DNA polymerase epsilon, catalytic subunit; minus strand). Cytogenetic location: 12q24.33.
Variant type: single nucleotide variant.
Coding change: c.2289C>G on transcript NM_006231.4 (MANE Select); coding-DNA position 2289, C replaced by G.
Protein change: p.Asp763Glu; replaces aspartic acid 763 with glutamic acid.
Molecular consequence: missense variant.
Genome position (GRCh38, 1-based): chr12:132,667,533, G>C on the plus strand (C>G on the coding strand, the complement: POLE is on the minus strand). VCF-style: chr12-132667533-G-C. GRCh37 (hg19) VCF-style: chr12-133244119-G-C.
Other names: short protein forms D763E.
Identifiers: ClinVar variation 1719202 (VCV001719202.5), dbSNP rs1057521109, ClinGen allele CA387352133.
Genomic context (GRCh38, chr12:132,667,533, plus strand): 5'-GGCCAAAGCTTGCAGCCCCTCAGAGCTCACCTTGTGGAGCCCTTTGAACTCGTAACGCCT[G>C]TCCCGGAAGGCACGCACGGTGTCCACGTAGAAGGAGTTTTCCCGCTGGCAGATGGTGGTG-3'
Protein context (NP_006222.2, residues 753-773): FYVDTVRAFR[Asp763Glu]RRYEFKGLHK